The following is an entry in ClinVar:

ClinVar aggregate classification (germline): Benign/Likely benign. Review status: criteria provided, multiple submitters, no conflicts (2 of 4 stars). 5 submissions from 5 submitters: Benign (1); Likely benign (3). 1 of the submissions does not count toward it. Last evaluated 2026-01-14.

Conditions:
Myasthenic syndrome, congenital, 22 (CMS22). Also called: PREPL DEFICIENCY. Identifiers: MedGen C4479088, MONDO:0044299, OMIM 616224.
PREPL-related disorder. Also called: PREPL-related condition.

Allele frequency attached by ClinVar (database versions not stated): ESP Exome Variant Server 0.00031; TOPMed 0.00035; gnomAD exomes 0.00097; ExAC 0.00117.
gnomAD v4.1: 1,029 of 1,608,438 alleles (0.064%); highest among the groups gnomAD compares: Middle Eastern, 0.98%; 10 homozygotes.

Submissions (5):

Labcorp Genetics (formerly Invitae), Labcorp
Classification: Benign for Myasthenic syndrome, congenital, 22. Last evaluated: 2026-01-14. Review status: criteria provided, single submitter. Criteria: Invitae Variant Classification Sherloc (09022015). Collection method: clinical testing. Allele origin: germline.

CeGaT Center for Human Genetics Tuebingen
Classification: Likely benign. Last evaluated: 2025-05-01. Review status: criteria provided, single submitter. Criteria: CeGaT Center For Human Genetics Tuebingen Variant Classification Criteria Version 2. Collection method: clinical testing. Allele origin: germline. Affected: yes. Observed: 2 variant alleles.
Comment: PREPL: BP4, BS2

Genetic Services Laboratory, University of Chicago
Classification: Likely benign. Last evaluated: 2018-05-21. Review status: criteria provided, single submitter. Criteria: ACMG Guidelines, 2015. Collection method: clinical testing. Allele origin: germline. Affected: no.

Breakthrough Genomics
Classification: Likely benign. Review status: criteria provided, single submitter. Criteria: ACMG Guidelines, 2015. Collection method: not provided. Allele origin: germline. Inheritance: Autosomal recessive inheritance. Affected: yes.

PreventionGenetics, part of Exact Sciences
Classification: Likely benign for PREPL-related condition. Last evaluated: 2024-02-21. Review status: no assertion criteria provided. Collection method: clinical testing. Allele origin: germline. Not counted in ClinVar's aggregate classification.
Comment: This variant is classified as likely benign based on ACMG/AMP sequence variant interpretation guidelines (Richards et al. 2015 PMID: 25741868, with internal and published modifications).

NM_001171613.2(PREPL):c.1479+8C>T

Gene: PREPL (prolyl endopeptidase like; minus strand). Cytogenetic location: 2p21.
Variant type: single nucleotide variant.
Coding change: c.1479+8C>T on transcript NM_001171613.2 (MANE Select); 8 bases into the intron after coding-DNA position 1479, C replaced by T.
Molecular consequence: intron variant.
Genome position (GRCh38, 1-based): chr2:44,326,704, G>A on the plus strand (C>T on the coding strand, the complement: PREPL is on the minus strand). VCF-style: chr2-44326704-G-A. GRCh37 (hg19) VCF-style: chr2-44553843-G-A.
Other names: c.1479+8C>T (NM_001171617.1, NM_001374277.1); c.1746+8C>T (NM_001171603.1, NM_001374275.1, NM_001374276.1 and 2 more transcripts); c.1560+8C>T (NM_001042385.2); c.1548+8C>T (NM_001042386.2).
Identifiers: ClinVar variation 544541 (VCV000544541.25), dbSNP rs202009058, ClinGen allele CA1641107.
Genomic context (GRCh38, chr2:44,326,704, plus strand): 5'-TTTCTTAGAGTAGCCTATGGCTTCACACCTCCCCCATTCTATAAACAGTAGAGACAGAGC[G>A]TACTCACCTCCAAAGTCACCGCTCTCACCAGCTCTGGATTAGAATTACACAATGCTCCTG-3'